The following is an entry in ClinVar:

ClinVar aggregate classification (germline): Pathogenic. Review status: criteria provided, multiple submitters, no conflicts (2 of 4 stars). 2 submissions from 2 submitters: Pathogenic (2). Last evaluated 2026-02-03.

Allele frequency attached by ClinVar (database versions not stated): ExAC 0.00004; gnomAD 0.00001; gnomAD exomes below 0.00001.
gnomAD v4.1: 3 of 1,551,924 alleles (0.00019%); highest among the groups gnomAD compares: Admixed American, 0.0039%; no homozygotes.

Submissions (2):

Labcorp Genetics (formerly Invitae), Labcorp
Classification: Pathogenic. Last evaluated: 2026-02-03. Review status: criteria provided, single submitter. Criteria: Invitae Variant Classification Sherloc (09022015). Collection method: clinical testing. Allele origin: germline.
Comment: This sequence change creates a premature translational stop signal (p.Arg1069*) in the UNC80 gene. It is expected to result in an absent or disrupted protein product. Loss-of-function variants in UNC80 are known to be pathogenic (PMID: 26545877, 26708751, 26708753). This variant is present in population databases (rs754371531, gnomAD 0.004%). This premature translational stop signal has been observed in individual(s) with clinical features of UNC80-related conditions (PMID: 30771478). ClinVar contains an entry for this variant (Variation ID: 2662943). For these reasons, this variant has been classified as Pathogenic.

GeneDx
Classification: Pathogenic. Last evaluated: 2025-10-18. Review status: criteria provided, single submitter. Criteria: GeneDx Variant Classification Process June 2021. Collection method: clinical testing. Allele origin: germline.
Comment: Nonsense variant predicted to result in protein truncation or nonsense mediated decay in a gene for which loss of function is a known mechanism of disease; This variant is associated with the following publications: (PMID: 34426522, 30763667, 34312540, 30771478)

Literature cited by the submitters: PubMed 26545877 (cited by Labcorp Genetics (formerly Invitae), Labcorp); PubMed 26708751 (cited by Labcorp Genetics (formerly Invitae), Labcorp); PubMed 26708753 (cited by Labcorp Genetics (formerly Invitae), Labcorp); PubMed 30771478 (cited by Labcorp Genetics (formerly Invitae), Labcorp).

NM_001371986.1(UNC80):c.3205C>T (p.Arg1069Ter)

Gene: UNC80 (unc-80 subunit of NALCN channel complex; plus strand). Cytogenetic location: 2q34.
Variant type: single nucleotide variant.
Coding change: c.3205C>T on transcript NM_001371986.1 (MANE Select); coding-DNA position 3205, C replaced by T.
Protein change: p.Arg1069Ter; replaces arginine 1069 with a stop codon.
Molecular consequence: nonsense.
Genome position (GRCh38, 1-based): chr2:209,839,385, C>T. VCF-style: chr2-209839385-C-T. GRCh37 (hg19) VCF-style: chr2-210704109-C-T.
Other names: c.3205C>T, p.Arg1069Ter (NM_032504.2); c.3190C>T, p.Arg1064Ter (NM_182587.4); short protein forms R1064*, R1069*.
Identifiers: ClinVar variation 2662943 (VCV002662943.3), dbSNP rs754371531, ClinGen allele CA2083090.